The following is an entry in ClinVar:

ClinVar aggregate classification (germline): Likely benign. Review status: criteria provided, single submitter (1 of 4 stars). 2 submissions from 2 submitters: Likely benign (1). 1 of the submissions does not count toward it.

Conditions:
SMARCC2-related disorder. Also called: SMARCC2-related condition.

Allele frequency attached by ClinVar (database versions not stated): gnomAD 0.00008; gnomAD exomes 0.00008; TOPMed 0.00028; ExAC 0.00035.
gnomAD v4.1: 129 of 1,613,958 alleles (0.008%); highest among the groups gnomAD compares: Admixed American, 0.12%; 3 homozygotes.

Submissions (2):

Breakthrough Genomics
Classification: Likely benign. Review status: criteria provided, single submitter. Criteria: ACMG Guidelines, 2015. Collection method: not provided. Allele origin: germline. Inheritance: Autosomal dominant inheritance. Affected: yes.

PreventionGenetics, part of Exact Sciences
Classification: Likely benign for SMARCC2-related condition. Last evaluated: 2022-07-14. Review status: no assertion criteria provided. Collection method: clinical testing. Allele origin: germline. Not counted in ClinVar's aggregate classification.
Comment: This variant is classified as likely benign based on ACMG/AMP sequence variant interpretation guidelines (Richards et al. 2015 PMID: 25741868, with internal and published modifications).

NM_001330288.2(SMARCC2):c.2506G>A (p.Asp836Asn)

Gene: SMARCC2 (SWI/SNF related BAF chromatin remodeling complex subunit C2; minus strand). Cytogenetic location: 12q13.2.
Variant type: single nucleotide variant.
Coding change: c.2506G>A on transcript NM_001330288.2 (MANE Select); coding-DNA position 2506, G replaced by A.
Protein change: p.Asp836Asn; replaces aspartic acid 836 with asparagine.
Molecular consequence: missense variant.
Genome position (GRCh38, 1-based): chr12:56,169,818, C>T on the plus strand (G>A on the coding strand, the complement: SMARCC2 is on the minus strand). VCF-style: chr12-56169818-C-T. GRCh37 (hg19) VCF-style: chr12-56563602-C-T.
Other names: c.2506G>A, p.Asp836Asn (NM_001130420.3, NM_139067.4); c.2413G>A, p.Asp805Asn (NM_003075.5); short protein forms D805N, D836N.
Identifiers: ClinVar variation 3047339 (VCV003047339.3), dbSNP rs778409218, ClinGen allele CA6625770.
Genomic context (GRCh38, chr12:56,169,818, plus strand): 5'-CCCTTGTGGGAGGCTCACCTATTGGGTCTCCATCACTCTTCTCGGACTCCTTCTCACTGT[C>T]GCCTTCTTTCCCTTTCTCCTCATCCTTCTTGGGAGCCTCGCTGGTTTTCTCTTTTGCTTC-3'
Protein context (NP_001317217.1, residues 826-846): KKDEEKGKEG[Asp836Asn]SEKESEKSDG